The following is an entry in ClinVar:

NM_000264.5(PTCH1):c.3995G>A (p.Gly1332Asp)

Gene: PTCH1 (patched 1; minus strand). Cytogenetic location: 9q22.32.
Variant type: single nucleotide variant.
Coding change: c.3995G>A on transcript NM_000264.5 (MANE Select); coding-DNA position 3995, G replaced by A.
Protein change: p.Gly1332Asp; replaces glycine 1332 with aspartic acid.
Molecular consequence: missense variant. On other transcripts: non-coding transcript variant (1).
Genome position (GRCh38, 1-based): chr9:95,447,261, C>T on the plus strand (G>A on the coding strand, the complement: PTCH1 is on the minus strand). VCF-style: chr9-95447261-C-T. GRCh37 (hg19) VCF-style: chr9-98209543-C-T.
Other names: c.3542G>A, p.Gly1181Asp (NM_001083605.3, NM_001083606.3, NM_001083607.3 and 1 more transcripts); c.3839G>A, p.Gly1280Asp (NM_001354918.2); c.3797G>A, p.Gly1266Asp (NM_001083602.3); c.3992G>A, p.Gly1331Asp (NM_001083603.3); short protein forms G1280D, G1332D, G1181D, G1266D, G1331D.
Identifiers: ClinVar variation 3311207 (VCV003311207.1).

ClinVar aggregate classification (germline): Uncertain significance (1 of 4 stars; one submission).

Conditions:
Hereditary cancer-predisposing syndrome. Also called: Neoplastic Syndromes, Hereditary; Tumor predisposition; Hereditary neoplastic syndrome; Hereditary Cancer Syndrome. Identifiers: Orphanet 140162, MedGen C0027672, MeSH D009386, MONDO:0015356.

gnomAD v4.1: 2 of 1,612,968 alleles (0.00012%); highest among the groups gnomAD compares: Non-Finnish European, 0.00017%; no homozygotes.

Submission:

Ambry Genetics
Classification: Uncertain significance for Hereditary cancer-predisposing syndrome. Last evaluated: 2024-06-23. Review status: criteria provided, single submitter. Criteria: Ambry Variant Classification Scheme 2023. Collection method: clinical testing. Allele origin: germline.
Comment: The p.G1332D variant (also known as c.3995G>A), located in coding exon 23 of the PTCH1 gene, results from a G to A substitution at nucleotide position 3995. The glycine at codon 1332 is replaced by aspartic acid, an amino acid with similar properties. This amino acid position is conserved. In addition, the in silico prediction for this alteration is inconclusive. Based on the available evidence, the clinical significance of this variant remains unclear.